The following is an entry in ClinVar:

NM_004446.3(EPRS1):c.2773A>C (p.Lys925Gln)

Gene: EPRS1 (glutamyl-prolyl-tRNA synthetase 1; minus strand). Cytogenetic location: 1q41.
Variant type: single nucleotide variant.
Coding change: c.2773A>C on transcript NM_004446.3 (MANE Select); coding-DNA position 2773, A replaced by C.
Protein change: p.Lys925Gln; replaces lysine 925 with glutamine.
Molecular consequence: missense variant.
Genome position (GRCh38, 1-based): chr1:219,988,592, T>G on the plus strand (A>C on the coding strand, the complement: EPRS1 is on the minus strand). VCF-style: chr1-219988592-T-G. GRCh37 (hg19) VCF-style: chr1-220161934-T-G.
Other names: c.2773A>C (NM_004446.2); short protein forms K925Q.
Identifiers: ClinVar variation 1680921 (VCV001680921.13), dbSNP rs35325299, ClinGen allele CA1399894.

ClinVar aggregate classification (germline): Benign/Likely benign. Review status: criteria provided, multiple submitters, no conflicts (2 of 4 stars). 4 submissions from 4 submitters: Benign (2); Likely benign (2). Last evaluated 2026-01-30.

Conditions:
EPRS1-related disorder. Also called: EPRS1-related condition.
Inborn genetic diseases. Identifiers: MedGen C0950123, MeSH D030342.

Allele frequency attached by ClinVar (database versions not stated): gnomAD exomes 0.00020 and 0.00050; ExAC 0.00072; 1000 Genomes Project 0.00180; gnomAD 0.00216 and 0.00234; 1000 Genomes Project 30x 0.00234; TOPMed 0.00249; ESP Exome Variant Server 0.00385.
gnomAD v4.1: 626 of 1,603,098 alleles (0.039%); highest among the groups gnomAD compares: African/African-American, 0.77%; 4 homozygotes.

Submissions (4):

PreventionGenetics, part of Exact Sciences
Classification: Benign for EPRS1-related condition. Last evaluated: 2026-01-30. Review status: criteria provided, single submitter. Criteria: ACMG Guidelines, 2015. Collection method: clinical testing. Allele origin: germline.
Comment: This variant is classified as benign based on ACMG/AMP sequence variant interpretation guidelines (Richards et al. 2015 PMID: 25741868, with internal and published modifications).

Labcorp Genetics (formerly Invitae), Labcorp
Classification: Benign. Last evaluated: 2025-12-24. Review status: criteria provided, single submitter. Criteria: Invitae Variant Classification Sherloc (09022015). Collection method: clinical testing. Allele origin: germline.

Blueprint Genetics
Classification: Likely benign. Last evaluated: 2024-08-13. Review status: criteria provided, single submitter. Criteria: ACMG Guidelines, 2015. Collection method: clinical testing. Allele origin: germline.

Ambry Genetics
Classification: Likely benign for Inborn genetic diseases. Last evaluated: 2022-01-10. Review status: criteria provided, single submitter. Criteria: Ambry Variant Classification Scheme 2023. Collection method: clinical testing. Allele origin: germline.